The following is an entry in ClinVar:

NM_153252.5(BRWD3):c.4888dup (p.Arg1630fs)

Gene: BRWD3 (bromodomain and WD repeat domain containing 3; minus strand). Cytogenetic location: Xq21.1.
Variant type: Duplication.
Coding change: c.4888dup on transcript NM_153252.5 (MANE Select); coding-DNA position 4888, one base duplicated (A; older notation c.4888dupA).
Protein change: p.Arg1630fs; shifts the reading frame from arginine 1630.
Molecular consequence: frameshift variant.
Genome position (GRCh38, 1-based): chrX:80,677,130, T duplicated on the plus strand (A on the coding strand, the reverse complement: BRWD3 is on the minus strand). VCF-style (leftmost placement, unchanged base first): chrX-80677129-C-CT. GRCh37 (hg19) VCF-style: chrX-79932628-C-CT.
Other names: short protein forms R1630fs.
Identifiers: ClinVar variation 3359134 (VCV003359134.2).

ClinVar aggregate classification (germline): Uncertain significance (1 of 4 stars; one submission).

Conditions:
Intellectual developmental disorder, X-linked 93. Also called: MENTAL RETARDATION, X-LINKED, WITH MACROCEPHALY; Intellectual disability, X-linked 93. Identifiers: MedGen C1970841, MONDO:0010393, OMIM 300659.

Submission:

Institute of Human Genetics, University of Leipzig Medical Center
Classification: Uncertain significance for Intellectual developmental disorder, X-linked 93. Last evaluated: 2023-11-15. Review status: criteria provided, single submitter. Criteria: ACMG Guidelines, 2015. Collection method: clinical testing. Allele origin: maternal. Inheritance: X-linked recessive inheritance. Affected: yes.
Comment: Criteria applied: PVS1_MOD,PM2_SUP